The following is an entry in ClinVar:

NM_033380.3(COL4A5):c.2228G>T (p.Gly743Val)

Gene: COL4A5 (collagen type IV alpha 5 chain; plus strand). Cytogenetic location: Xq22.3.
Variant type: single nucleotide variant.
Coding change: c.2228G>T on transcript NM_033380.3 (MANE Select); coding-DNA position 2228, G replaced by T.
Protein change: p.Gly743Val; replaces glycine 743 with valine.
Molecular consequence: missense variant.
Genome position (GRCh38, 1-based): chrX:108,603,045, G>T. VCF-style: chrX-108603045-G-T. GRCh37 (hg19) VCF-style: chrX-107846275-G-T.
Other names: c.2228G>T, p.Gly743Val (NM_000495.5); short protein forms G743V.
Identifiers: ClinVar variation 3382913 (VCV003382913.2).
Genomic context (GRCh38, chrX:108,603,045, plus strand): 5'-CTCCAGGAGCACCTGGGACACCTGGAAGAATTGGTCTAGAAGGCCCTCCTGGGCCACCCG[G>T]CTTTCCAGGACCAAAGGTCTGGGACATTTTTCTTTATTCCTTCTCATTTTCTTATCTTTC-3'
Protein context (NP_203699.1, residues 733-753): IGLEGPPGPP[Gly743Val]FPGPKGEPGF

ClinVar aggregate classification (germline): Likely pathogenic (1 of 4 stars; one submission).

Conditions:
X-linked Alport syndrome (ATS1). Also called: NEPHROPATHY AND DEAFNESS, X-LINKED; COL4A5-Related Nephropathy. Identifiers: Orphanet 63, Orphanet 88917, MedGen C4746986, MONDO:0010520, OMIM 301050.

Submission:

Juno Genomics, Hangzhou Juno Genomics, Inc
Classification: Likely pathogenic for X-linked Alport syndrome. Review status: criteria provided, single submitter. Criteria: ACMG Guidelines, 2015. Collection method: clinical testing. Allele origin: germline. Affected: yes.
Comment: Absent from controls (or at extremely low frequency if recessive) in Genome Aggregation Database, Exome Sequencing Project, 1000 Genomes Project, or Exome Aggregation Consortium.;Multiple lines of computational evidence support a deleterious effect on the gene or gene product (conservation, evolutionary, splicing impact, etc).;Patient's phenotype or family history is highly specific for a disease with a single genetic etiology.;The prevalence of the variant in affected individuals is significantly increased compared to the prevalence in controls.;Co-segregation with disease in multiple affected family members in a gene definitively known to cause the disease.